The following is an entry in ClinVar:

NM_004990.4(MARS1):c.1635+4A>G

Gene: MARS1 (methionyl-tRNA synthetase 1; plus strand). Cytogenetic location: 12q13.3.
Variant type: single nucleotide variant.
Coding change: c.1635+4A>G on transcript NM_004990.4 (MANE Select); 4 bases into the intron after coding-DNA position 1635, A replaced by G.
Molecular consequence: intron variant.
Genome position (GRCh38, 1-based): chr12:57,512,107, A>G. VCF-style: chr12-57512107-A-G. GRCh37 (hg19) VCF-style: chr12-57905890-A-G.
Identifiers: ClinVar variation 2081809 (VCV002081809.4), dbSNP rs1877550185, ClinGen allele CA2038898515.

ClinVar aggregate classification (germline): Uncertain significance (1 of 4 stars; one submission).

Conditions:
Severe early-onset pulmonary alveolar proteinosis due to MARS deficiency. Also called: PULMONARY ALVEOLAR PROTEINOSIS, REUNION ISLAND; Interstitial lung and liver disease. Identifiers: Orphanet 440427, MedGen C4225400, MONDO:0014206, OMIM 615486.
Charcot-Marie-Tooth disease axonal type 2U. Also called: CHARCOT-MARIE-TOOTH NEUROPATHY, TYPE 2U; CHARCOT-MARIE-TOOTH DISEASE, AXONAL, AUTOSOMAL DOMINANT, TYPE 2U. Identifiers: Orphanet 397735, MedGen C4084821, MONDO:0014566, OMIM 616280.

Allele frequency attached by ClinVar (database versions not stated): TOPMed below 0.00001.

Submission:

Labcorp Genetics (formerly Invitae), Labcorp
Classification: Uncertain significance for Charcot-Marie-Tooth disease axonal type 2U; Severe early-onset pulmonary alveolar proteinosis due to MARS deficiency. Last evaluated: 2022-10-13. Review status: criteria provided, single submitter. Criteria: Invitae Variant Classification Sherloc (09022015). Collection method: clinical testing. Allele origin: germline.
Comment: In summary, the available evidence is currently insufficient to determine the role of this variant in disease. Therefore, it has been classified as a Variant of Uncertain Significance. Variants that disrupt the consensus splice site are a relatively common cause of aberrant splicing (PMID: 17576681, 9536098). Algorithms developed to predict the effect of sequence changes on RNA splicing suggest that this variant may disrupt the consensus splice site. This variant has not been reported in the literature in individuals affected with MARS-related conditions. This variant is not present in population databases (gnomAD no frequency). This sequence change falls in intron 13 of the MARS gene. It does not directly change the encoded amino acid sequence of the MARS protein. It affects a nucleotide within the consensus splice site.

Literature cited by the submitters: PubMed 17576681; PubMed 9536098.